The following is an entry in ClinVar:

NM_005012.4(ROR1):c.77G>T (p.Gly26Val)

Gene: ROR1 (receptor tyrosine kinase like orphan receptor 1; plus strand). Cytogenetic location: 1p31.3.
Variant type: single nucleotide variant.
Coding change: c.77G>T on transcript NM_005012.4 (MANE Select); coding-DNA position 77, G replaced by T.
Protein change: p.Gly26Val; replaces glycine 26 with valine.
Molecular consequence: missense variant.
Genome position (GRCh38, 1-based): chr1:63,774,494, G>T. VCF-style: chr1-63774494-G-T. GRCh37 (hg19) VCF-style: chr1-64240165-G-T.
Other names: c.77G>T, p.Gly26Val (NM_001083592.2); short protein forms G26V.
Identifiers: ClinVar variation 4701346 (VCV004701346.1).

ClinVar aggregate classification (germline): Uncertain significance (1 of 4 stars; one submission).

Submission:

Labcorp Genetics (formerly Invitae), Labcorp
Classification: Uncertain significance. Last evaluated: 2026-01-20. Review status: criteria provided, single submitter. Criteria: Invitae Variant Classification Sherloc (09022015). Collection method: clinical testing. Allele origin: germline.
Comment: This sequence change replaces glycine, which is neutral and non-polar, with valine, which is neutral and non-polar, at codon 26 of the ROR1 protein (p.Gly26Val). This variant is not present in population databases (gnomAD no frequency). This variant has not been reported in the literature in individuals affected with ROR1-related conditions. Experimental studies and prediction algorithms are not available or were not evaluated, and the functional significance of this variant is currently unknown. In summary, the available evidence is currently insufficient to determine the role of this variant in disease. Therefore, it has been classified as a Variant of Uncertain Significance.